The following is an entry in ClinVar:

ClinVar aggregate classification (germline): Likely pathogenic (1 of 4 stars; one submission).

Conditions:
Hereditary cancer-predisposing syndrome. Also called: Neoplastic Syndromes, Hereditary; Tumor predisposition; Hereditary neoplastic syndrome; Hereditary Cancer Syndrome. Identifiers: Orphanet 140162, MedGen C0027672, MeSH D009386, MONDO:0015356.

Submission:

Ambry Genetics
Classification: Likely pathogenic for Hereditary cancer-predisposing syndrome. Last evaluated: 2026-07-06. Review status: criteria provided, single submitter. Criteria: Ambry Variant Classification Scheme 2023. Collection method: clinical testing. Allele origin: germline.
Comment: The p.S2011* variant (also known as c.6032C>A), located in coding exon 15 of the APC gene, results from a C to A substitution at nucleotide position 6032. This changes the amino acid from a serine to a stop codon within coding exon 15. This variant occurs at the 3' terminus of the gene, is not expected to trigger nonsense-mediated mRNA decay, and impacts the last 29% of the protein. However, premature stop codons are typically deleterious in nature and a significant portion of the protein is affected (Ambry internal data). This variant is considered to be rare based on population cohorts in the Genome Aggregation Database (gnomAD). Based on the majority of available evidence to date, this variant is likely to be pathogenic.

NM_000038.6(APC):c.6032C>A (p.Ser2011Ter)

Gene: APC (APC regulator of Wnt signaling pathway; plus strand). Cytogenetic location: 5q22.2.
Variant type: single nucleotide variant.
Coding change: c.6032C>A on transcript NM_000038.6 (MANE Select); coding-DNA position 6032, C replaced by A.
Protein change: p.Ser2011Ter; replaces serine 2011 with a stop codon.
Molecular consequence: nonsense. On other transcripts: non-coding transcript variant (2).
Genome position (GRCh38, 1-based): chr5:112,841,626, C>A. VCF-style: chr5-112841626-C-A. GRCh37 (hg19) VCF-style: chr5-112177323-C-A.
Other names: c.5957C>A, p.Ser1986Ter (NM_001354898.2); c.5948C>A, p.Ser1983Ter (NM_001354899.2); c.5909C>A, p.Ser1970Ter (NM_001354900.2); c.5855C>A, p.Ser1952Ter (NM_001354901.2, NM_001407453.1); c.5759C>A, p.Ser1920Ter (NM_001354902.2); c.5729C>A, p.Ser1910Ter (NM_001354903.2, NM_001407458.1, NM_001407459.1 and 1 more transcripts); c.5654C>A, p.Ser1885Ter (NM_001354904.2); c.5552C>A, p.Ser1851Ter (NM_001354905.2); and 11 more; short protein forms S1885*, S1952*, S1627*, S1851*, S1970*, S1993*, S2001*, S2029*.
Identifiers: ClinVar variation 5024775 (VCV005024775.1).